The following is an entry in ClinVar:

ClinVar aggregate classification (germline): Likely benign. Review status: criteria provided, multiple submitters, no conflicts (2 of 4 stars). 3 submissions from 3 submitters: Likely benign (2). 1 of the submissions does not count toward it. Last evaluated 2023-11-19.

Conditions:
OTOG-related disorder. Also called: OTOG-related condition.

Allele frequency attached by ClinVar (database versions not stated): gnomAD 0.00005 and 0.00004; gnomAD exomes 0.00004 and 0.00008; TOPMed 0.00009; 1000 Genomes Project 30x 0.00016; 1000 Genomes Project 0.00020.
gnomAD v4.1: 66 of 1,550,356 alleles (0.0043%); highest among the groups gnomAD compares: Middle Eastern, 0.05%; no homozygotes.

Submissions (3):

Labcorp Genetics (formerly Invitae), Labcorp
Classification: Likely benign. Last evaluated: 2023-11-19. Review status: criteria provided, single submitter. Criteria: Invitae Variant Classification Sherloc (09022015). Collection method: clinical testing. Allele origin: germline.

Laboratory for Molecular Medicine, Mass General Brigham Personalized Medicine
Classification: Likely benign. Last evaluated: 2015-08-04. Review status: criteria provided, single submitter. Criteria: LMM Criteria. Collection method: clinical testing. Allele origin: germline. Observed: 1 variant allele.
Comment: p.Ser264Ser in exon 47 of OTOG: This variant is not expected to have clinical si gnificance because it does not alter an amino acid residue and is not located wi thin the splice consensus sequence. It has been identified in 1/208 Japanese chr omosomes by the 1000 Genomes Project (dbSNP rs555614943).

PreventionGenetics, part of Exact Sciences
Classification: Likely benign for OTOG-related condition. Last evaluated: 2019-07-18. Review status: no assertion criteria provided. Collection method: clinical testing. Allele origin: germline. Not counted in ClinVar's aggregate classification.
Comment: This variant is classified as likely benign based on ACMG/AMP sequence variant interpretation guidelines (Richards et al. 2015 PMID: 25741868, with internal and published modifications).

NM_001292063.2(OTOG):c.7890C>T (p.Ser2630=)

Gene: OTOG (otogelin; plus strand). Cytogenetic location: 11p15.1.
Variant type: single nucleotide variant.
Coding change: c.7890C>T on transcript NM_001292063.2 (MANE Select); coding-DNA position 7890, C replaced by T.
Protein change: p.Ser2630=; no amino-acid change (serine 2630 retained).
Molecular consequence: synonymous variant.
Genome position (GRCh38, 1-based): chr11:17,638,545, C>T. VCF-style: chr11-17638545-C-T. GRCh37 (hg19) VCF-style: chr11-17660092-C-T.
Other names: c.7926C>T, p.Ser2642= (NM_001277269.2).
Identifiers: ClinVar variation 227801 (VCV000227801.15), dbSNP rs555614943, ClinGen allele CA10576876.